The following is an entry in ClinVar:

ClinVar aggregate classification (germline): Conflicting classifications of pathogenicity. Review status: criteria provided, conflicting classifications (1 of 4 stars). 11 submissions from 10 submitters: Uncertain significance (2); Benign (2); Likely benign (5). 2 of the submissions do not count toward it. Last evaluated 2026-01-15.

Conditions:
Autosomal recessive ataxia, Beauce type. Also called: ATAXIA, RECESSIVE, OF BEAUCE; Spinocerebellar ataxia, autosomal recessive 8; SYNE1-Related Autosomal Recessive Cerebellar Ataxia; SYNE1 Deficiency. Identifiers: Orphanet 88644, MedGen C1853116, MONDO:0012549, OMIM 610743.
Emery-Dreifuss muscular dystrophy 4, autosomal dominant (EDMD4). Also called: EMERY-DREIFUSS MUSCULAR DYSTROPHY 4 WITH VARIABLE FEATURES. Identifiers: Orphanet 261, MedGen C2751807, MONDO:0013071, OMIM 612998.

Allele frequency attached by ClinVar (database versions not stated): 1000 Genomes Project 0.00100; gnomAD 0.00106 and 0.00107; 1000 Genomes Project 30x 0.00109; TOPMed 0.00115; ESP Exome Variant Server 0.00169.
gnomAD v4.1: 2,566 of 1,613,902 alleles (0.16%); highest among the groups gnomAD compares: Middle Eastern, 0.22%; 5 homozygotes.

Submissions (11):

Labcorp Genetics (formerly Invitae), Labcorp
Classification: Likely benign for Emery-Dreifuss muscular dystrophy 4, autosomal dominant; Autosomal recessive ataxia, Beauce type. Last evaluated: 2026-01-15. Review status: criteria provided, single submitter. Criteria: Invitae Variant Classification Sherloc (09022015). Collection method: clinical testing. Allele origin: germline.

Blueprint Genetics
Classification: Likely benign. Last evaluated: 2024-11-04. Review status: criteria provided, single submitter. Criteria: ACMG Guidelines, 2015. Collection method: clinical testing. Allele origin: germline.

CeGaT Center for Human Genetics Tuebingen
Classification: Likely benign. Last evaluated: 2024-04-01. Review status: criteria provided, single submitter. Criteria: CeGaT Center For Human Genetics Tuebingen Variant Classification Criteria Version 2. Collection method: clinical testing. Allele origin: germline. Affected: yes. Observed: 4 variant alleles.
Comment: SYNE1: BP4, BP7

Athena Diagnostics
Classification: Benign. Last evaluated: 2024-03-13. Review status: criteria provided, single submitter. Criteria: Athena Diagnostics Criteria. Collection method: clinical testing. Allele origin: unknown.

GeneDx
Classification: Likely benign. Last evaluated: 2021-01-07. Review status: criteria provided, single submitter. Criteria: GeneDx Variant Classification Process June 2021. Collection method: clinical testing. Allele origin: germline. Affected: yes.

Baylor Genetics
Classification: Uncertain significance for Emery-Dreifuss muscular dystrophy 4, autosomal dominant. Last evaluated: 2018-04-25. Review status: criteria provided, single submitter. Criteria: ACMG Guidelines, 2015. Collection method: clinical testing. Allele origin: unknown. Affected: yes.
Comment: This variant was determined to be of uncertain significance according to ACMG Guidelines, 2015 [PMID:25741868].

Illumina Laboratory Services, Illumina
Classification: Benign for Emery-Dreifuss muscular dystrophy 4, autosomal dominant. Last evaluated: 2018-01-12. Review status: criteria provided, single submitter. Criteria: ICSL Variant Classification Criteria 13 December 2019. Collection method: clinical testing. Allele origin: germline.
Comment: This variant was observed in the ICSL laboratory as part of a predisposition screen in an ostensibly healthy population. It had not been previously curated by ICSL or reported in the Human Gene Mutation Database (HGMD: prior to June 1st, 2018), and was therefore a candidate for classification through an automated scoring system. Utilizing variant allele frequency, disease prevalence and penetrance estimates, and inheritance mode, an automated score was calculated to assess if this variant is too frequent to cause the disease. Based on the score and internal cut-off values, a variant classified as benign is not then subjected to further curation. The score for this variant resulted in a classification of benign for this disease.

Illumina Laboratory Services, Illumina
Classification: Uncertain significance for Autosomal recessive ataxia, Beauce type. Last evaluated: 2018-01-12. Review status: criteria provided, single submitter. Criteria: ICSL Variant Classification Criteria 13 December 2019. Collection method: clinical testing. Allele origin: germline.

Eurofins Ntd Llc (ga)
Classification: Likely benign. Last evaluated: 2017-03-05. Review status: criteria provided, single submitter. Criteria: EGL Classification Definitions 2015. Collection method: clinical testing. Allele origin: germline. Observed: 17 variant alleles, 17 heterozygotes.

Clinical Genetics DNA and cytogenetics Diagnostics Lab, Erasmus MC, Erasmus Medical Center
Classification: Likely benign. Review status: no assertion criteria provided. Collection method: clinical testing. Allele origin: germline. Affected: yes. Study: VKGL Data-share Consensus. Not counted in ClinVar's aggregate classification.

Diagnostic Laboratory, Department of Genetics, University Medical Center Groningen
Classification: Likely benign. Review status: no assertion criteria provided. Collection method: clinical testing. Allele origin: germline. Affected: yes. Study: VKGL Data-share Consensus. Not counted in ClinVar's aggregate classification.

NM_182961.4(SYNE1):c.6339T>C (p.Thr2113=)

Gene: SYNE1 (spectrin repeat containing nuclear envelope protein 1; minus strand). Cytogenetic location: 6q25.2.
Variant type: single nucleotide variant.
Coding change: c.6339T>C on transcript NM_182961.4 (MANE Select); coding-DNA position 6339, T replaced by C.
Protein change: p.Thr2113=; no amino-acid change (threonine 2113 retained).
Molecular consequence: synonymous variant.
Genome position (GRCh38, 1-based): chr6:152,409,601, A>G on the plus strand (T>C on the coding strand, the complement: SYNE1 is on the minus strand). VCF-style: chr6-152409601-A-G. GRCh37 (hg19) VCF-style: chr6-152730736-A-G.
Other names: c.6360T>C, p.Thr2120= (NM_033071.5).
Identifiers: ClinVar variation 283105 (VCV000283105.52), dbSNP rs141671123, ClinGen allele CA4058108.